The following is an entry in ClinVar:

NM_001844.5(COL2A1):c.1996G>A (p.Gly666Arg)

Gene: COL2A1 (collagen type II alpha 1 chain; minus strand). Cytogenetic location: 12q13.11.
Variant type: single nucleotide variant.
Coding change: c.1996G>A on transcript NM_001844.5 (MANE Select); coding-DNA position 1996, G replaced by A.
Protein change: p.Gly666Arg; replaces glycine 666 with arginine.
Molecular consequence: missense variant.
Genome position (GRCh38, 1-based): chr12:47,983,438, C>T on the plus strand (G>A on the coding strand, the complement: COL2A1 is on the minus strand). VCF-style: chr12-47983438-C-T. GRCh37 (hg19) VCF-style: chr12-48377221-C-T.
Other names: c.1996G>A (NM_001844.4); c.1789G>A, p.Gly597Arg (NM_033150.3); short protein forms G597R, G666R.
Identifiers: ClinVar variation 1066365 (VCV001066365.10), dbSNP rs2136555177, ClinGen allele CA384548157.
Genomic context (GRCh38, chr12:47,983,438, plus strand): 5'-TACTCACCTGGTCACCTGGTTTTCCACCTTCACCTGGGGGACCAGGAGGGCCAGGAAGTC[C>T]CTAGAAGCCGAAGTGACAAGCGTTAGCAAAGGAGTGAGTTTGCTGCCCTGGCCCCCAGGG-3'
Protein context (NP_001835.3, residues 656-676): QGAPGPSGFQ[Gly666Arg]LPGPPGPPGE

ClinVar aggregate classification (germline): Pathogenic/Likely pathogenic. Review status: criteria provided, multiple submitters, no conflicts (2 of 4 stars). 3 submissions from 3 submitters: Pathogenic (1); Likely pathogenic (2). Last evaluated 2024-02-26.

Conditions:
Spondyloepimetaphyseal dysplasia, Strudwick type (SEMDSTWK). Also called: DAPPLED METAPHYSIS SYNDROME; STRUDWICK SYNDROME. Identifiers: Orphanet 93346, MedGen C0700635, MONDO:0008476, OMIM 184250.

Submissions (3):

3billion
Classification: Likely pathogenic for Spondyloepimetaphyseal dysplasia, Strudwick type. Last evaluated: 2024-02-26. Review status: criteria provided, single submitter. Criteria: ACMG Guidelines, 2015. Collection method: clinical testing. Allele origin: germline. Affected: yes.
Comment: The variant is not observed in the gnomAD v2.1.1 dataset. Predicted Consequence/Location: The variant is located in a mutational hot spot and/or well-established functional domain in which established pathogenic variants have been reported (PMID: 8218237, 7695699). In silico tool predictions suggest damaging effect of the variant on gene or gene product [REVEL: 0.96 (>=0.6, sensitivity 0.68 and specificity 0.92); 3Cnet: 1.00 (>=0.6, sensitivity 0.72 and precision 0.9)]. Same nucleotide change resulting in same amino acid change has been previously reported as pathogenic/likely pathogenic with strong evidence (ClinVar ID: VCV001066365). Therefore, this variant is classified as Likely pathogenic according to the recommendation of ACMG/AMP guideline.

GeneDx
Classification: Pathogenic. Last evaluated: 2023-09-18. Review status: criteria provided, single submitter. Criteria: GeneDx Variant Classification Process June 2021. Collection method: clinical testing. Allele origin: germline. Affected: yes.
Comment: Has not been previously published as pathogenic or benign to our knowledge; Not observed at significant frequency in large population cohorts (gnomAD); Occurs in the triple helical domain and replaces a glycine in a canonical Gly-X-Y repeat; missense substitution of a canonical glycine residue is expected to disrupt normal protein folding and function, and this is an established mechanism of disease (Jovanovic et al., 2021); In silico analysis supports that this missense variant has a deleterious effect on protein structure/function; In addition, in silico analysis suggests this variant may impact gene splicing; however, in the absence of RNA/functional studies, the actual effect of this sequence change is unknown.; This variant is associated with the following publications: (PMID: 34007986)

Labcorp Genetics (formerly Invitae), Labcorp
Classification: Likely pathogenic. Last evaluated: 2023-03-06. Review status: criteria provided, single submitter. Criteria: Invitae Variant Classification Sherloc (09022015). Collection method: clinical testing. Allele origin: germline.
Comment: In summary, the currently available evidence indicates that the variant is pathogenic, but additional data are needed to prove that conclusively. Therefore, this variant has been classified as Likely Pathogenic. This variant disrupts the triple helix domain of COL2A1. Glycine residues within the Gly-Xaa-Yaa repeats of the triple helix domain are required for the structure and stability of fibrillar collagens (PMID: 7695699, 8218237, 19344236). In COL2A1, variants affecting these glycine residues are significantly enriched in individuals with disease (PMID: 9016532, 17078022) compared to the general population (ExAC). Algorithms developed to predict the effect of sequence changes on RNA splicing suggest that this variant may create or strengthen a splice site. An algorithm developed to predict the effect of missense changes on protein structure and function (PolyPhen-2) suggests that this variant is likely to be disruptive. ClinVar contains an entry for this variant (Variation ID: 1066365). This variant has not been reported in the literature in individuals affected with COL2A1-related conditions. This variant is not present in population databases (gnomAD no frequency). This sequence change replaces glycine, which is neutral and non-polar, with arginine, which is basic and polar, at codon 666 of the COL2A1 protein (p.Gly666Arg).

Literature cited by the submitters: PubMed 7695699 (cited by 3billion and Labcorp Genetics (formerly Invitae), Labcorp); PubMed 8218237 (cited by 3billion and Labcorp Genetics (formerly Invitae), Labcorp); PubMed 19344236 (cited by Labcorp Genetics (formerly Invitae), Labcorp); PubMed 9016532 (cited by Labcorp Genetics (formerly Invitae), Labcorp); PubMed 17078022 (cited by Labcorp Genetics (formerly Invitae), Labcorp).